The following is an entry in ClinVar:

NM_000381.4(MID1):c.448C>T (p.His150Tyr)

Gene: MID1 (midline 1; minus strand). Cytogenetic location: Xp22.2.
Variant type: single nucleotide variant.
Coding change: c.448C>T on transcript NM_000381.4 (MANE Select); coding-DNA position 448, C replaced by T.
Protein change: p.His150Tyr; replaces histidine 150 with tyrosine.
Molecular consequence: missense variant.
Genome position (GRCh38, 1-based): chrX:10,567,100, G>A on the plus strand (C>T on the coding strand, the complement: MID1 is on the minus strand). VCF-style: chrX-10567100-G-A. GRCh37 (hg19) VCF-style: chrX-10535140-G-A.
Other names: c.448C>T, p.His150Tyr (NM_001098624.2, NM_001193277.1, NM_001193278.1 and 5 more transcripts); short protein forms H150Y.
Identifiers: ClinVar variation 2501898 (VCV002501898.1), dbSNP rs2519200506, ClinGen allele CA412048329.
Genomic context (GRCh38, chrX:10,567,100, plus strand): 5'-TGTGAGAGTCCGGAATTGGCTCAATCAGACGATGGCCTGTAAAGGGCTTCTTATTCGGGT[G>A]AGTGGCTTTCAGGCACTCGTCACAGTAGGATACTTCACAAGTGACACAGGTCTTCACAGC-3'
Protein context (NP_000372.1, residues 140-160): SYCDECLKAT[His150Tyr]PNKKPFTGHR

ClinVar aggregate classification (germline): Uncertain significance (1 of 4 stars; one submission).

Submission:

GeneDx
Classification: Uncertain significance. Last evaluated: 2022-11-09. Review status: criteria provided, single submitter. Criteria: GeneDx Variant Classification Process June 2021. Collection method: clinical testing. Allele origin: germline. Affected: yes.
Comment: Not observed at significant frequency in large population cohorts (gnomAD); In silico analysis supports that this missense variant has a deleterious effect on protein structure/function; Has not been previously published as pathogenic or benign to our knowledge